The following is an entry in ClinVar:

ClinVar aggregate classification (germline): Uncertain significance. Review status: criteria provided, multiple submitters, no conflicts (2 of 4 stars). 2 submissions from 2 submitters: Uncertain significance (2). Last evaluated 2025-08-12.

Allele frequency attached by ClinVar (database versions not stated): gnomAD below 0.00001 and 0.00001; TOPMed below 0.00001; ExAC 0.00002; gnomAD exomes 0.00002.
gnomAD v4.1: 12 of 1,614,006 alleles (0.00074%); highest among the groups gnomAD compares: South Asian, 0.0044%; no homozygotes.

Submissions (2):

GeneDx
Classification: Uncertain significance. Last evaluated: 2025-08-12. Review status: criteria provided, single submitter. Criteria: GeneDx Variant Classification Process June 2021. Collection method: clinical testing. Allele origin: germline. Affected: yes.
Comment: In silico analysis supports that this missense variant has a deleterious effect on protein structure/function; Has not been previously published as pathogenic or benign to our knowledge

Eurofins Ntd Llc (ga)
Classification: Uncertain significance. Last evaluated: 2017-05-30. Review status: criteria provided, single submitter. Criteria: EGL Classification Definitions 2015. Collection method: clinical testing. Allele origin: germline. Observed: 1 variant allele, 1 heterozygote.

NM_000035.4(ALDOB):c.487G>A (p.Ala163Thr)

Gene: ALDOB (aldolase, fructose-bisphosphate B; minus strand). Cytogenetic location: 9q31.1.
Variant type: single nucleotide variant.
Coding change: c.487G>A on transcript NM_000035.4 (MANE Select); coding-DNA position 487, G replaced by A.
Protein change: p.Ala163Thr; replaces alanine 163 with threonine.
Molecular consequence: missense variant.
Genome position (GRCh38, 1-based): chr9:101,427,535, C>T on the plus strand (G>A on the coding strand, the complement: ALDOB is on the minus strand). VCF-style: chr9-101427535-C-T. GRCh37 (hg19) VCF-style: chr9-104189817-C-T.
Other names: c.487G>A (NM_000035.3); c.487G>A, p.Ala163Thr (LRG_1244t1); short protein forms A163T.
Identifiers: ClinVar variation 502333 (VCV000502333.6), dbSNP rs17852652, ClinGen allele CA5161587.